The following is an entry in ClinVar:

NM_001127178.3(PIGG):c.2625dup (p.Asp876fs)

Gene: PIGG (phosphatidylinositol glycan anchor biosynthesis class G (EMM blood group); plus strand). Cytogenetic location: 4p16.3.
Variant type: Duplication.
Coding change: c.2625dup on transcript NM_001127178.3 (MANE Select); coding-DNA position 2625, one base duplicated (A; older notation c.2625dupA).
Protein change: p.Asp876fs; shifts the reading frame from aspartic acid 876.
Molecular consequence: frameshift variant. On other transcripts: non-coding transcript variant (10).
Genome position (GRCh38, 1-based): chr4:533,871, A duplicated. VCF-style (leftmost placement, unchanged base first): chr4-533870-T-TA. GRCh37 (hg19) VCF-style: chr4-527659-T-TA.
Other names: c.2358dup, p.Asp787fs (NM_001289051.2, NM_001345986.2); c.2226dup, p.Asp743fs (NM_001289052.2); c.2334dup, p.Asp779fs (NM_001345987.2); c.1596dup, p.Asp533fs (NM_001345988.2); c.1092dup, p.Asp365fs (NM_001345990.2, NM_001345991.2); c.1527dup, p.Asp510fs (NM_001345994.2); c.2601dup, p.Asp868fs (NM_017733.5); short protein forms D787fs, D365fs, D510fs, D868fs, D533fs, D743fs, D779fs, D876fs.
Identifiers: ClinVar variation 546954 (VCV000546954.48), dbSNP rs1491240980, ClinGen allele CA549263095.

ClinVar aggregate classification (germline): Pathogenic/Likely pathogenic. Review status: criteria provided, multiple submitters, no conflicts (2 of 4 stars). 3 submissions from 3 submitters: Pathogenic (2); Likely pathogenic (1). Last evaluated 2025-03-31.

Conditions:
Intellectual disability, autosomal recessive 53 (NEDHSCA). Also called: GLYCOSYLPHOSPHATIDYLINOSITOL BIOSYNTHESIS DEFECT 13; Mental retardation, autosomal recessive 53; NEURODEVELOPMENTAL DISORDER WITH OR WITHOUT HYPOTONIA, SEIZURES, AND CEREBELLAR ATROPHY. Identifiers: Orphanet 488635, MedGen C4310794, MONDO:0014832, OMIM 616917.

Allele frequency attached by ClinVar (database versions not stated): TOPMed below 0.00001; gnomAD 0.00001; gnomAD exomes 0.00001.

Submissions (3):

Labcorp Genetics (formerly Invitae), Labcorp
Classification: Pathogenic for Intellectual disability, autosomal recessive 53. Last evaluated: 2025-03-31. Review status: criteria provided, single submitter. Criteria: Invitae Variant Classification Sherloc (09022015). Collection method: clinical testing. Allele origin: germline.
Comment: This sequence change results in a frameshift in the PIGG gene (p.Asp876Argfs*111). While this is not anticipated to result in nonsense mediated decay, it is expected to disrupt the last 108 amino acid(s) of the PIGG protein and extend the protein by 2 additional amino acid residues. This variant is present in population databases (no rsID available, gnomAD 0.003%). This variant has not been reported in the literature in individuals affected with PIGG-related conditions. ClinVar contains an entry for this variant (Variation ID: 546954). This variant disrupts a region of the PIGG protein in which other variant(s) (p.Cys927Tyrfs*58) have been determined to be pathogenic (internal data). This suggests that this is a clinically significant region of the protein, and that variants that disrupt it are likely to be disease-causing. For these reasons, this variant has been classified as Pathogenic.

3billion
Classification: Pathogenic for Intellectual disability, autosomal recessive 53. Last evaluated: 2023-02-23. Review status: criteria provided, single submitter. Criteria: ACMG Guidelines, 2015. Collection method: clinical testing. Allele origin: unknown. Affected: yes.
Comment: The variant is observed at an extremely low frequency in the gnomAD v2.1.1 dataset (total allele frequency: 0.001%). This variant was predicted to result in a loss or disruption of normal protein function through nonsense-mediated decay (NMD) or protein truncation. Multiple pathogenic variants are reported downstream of the variant. Therefore, this variant is classified as Pathogenic according to the recommendation of ACMG/AMP guideline.

CeGaT Center for Human Genetics Tuebingen
Classification: Likely pathogenic. Last evaluated: 2018-11-01. Review status: criteria provided, single submitter. Criteria: CeGaT Center For Human Genetics Tuebingen Variant Classification Criteria Version 2. Collection method: clinical testing. Allele origin: germline. Affected: yes. Observed: 3 variant alleles.